The following is an entry in ClinVar:

NM_001287.6(CLCN7):c.105_106delinsTG (p.Leu36Val)

Genes: CLCN7 (chloride voltage-gated channel 7; minus strand), LOC130058166 (ATAC-STARR-seq lymphoblastoid silent region 6986; plus strand). Cytogenetic location: 16p13.3.
Variant type: Indel.
Coding change: c.105_106delinsTG on transcript NM_001287.6 (MANE Select); coding-DNA positions 105 to 106, GC replaced by TG.
Protein change: p.Leu36Val; replaces leucine 36 with valine.
Molecular consequence: missense variant.
Genome position (GRCh38, 1-based): chr16:1,474,869-1,474,870, GC replaced by CA on the plus strand (GC replaced by TG on the coding strand, the reverse complement: CLCN7 is on the minus strand). VCF-style: chr16-1474869-GC-CA. GRCh37 (hg19) VCF-style: chr16-1524870-GC-CA.
Other names: c.105_106delinsTG, p.Leu36Val (NM_001114331.3); short protein forms L36V.
Identifiers: ClinVar variation 2018117 (VCV002018117.4), dbSNP rs2505869574, ClinGen allele CA2580090424.

ClinVar aggregate classification (germline): Uncertain significance (1 of 4 stars; one submission).

Submission:

Labcorp Genetics (formerly Invitae), Labcorp
Classification: Uncertain significance. Last evaluated: 2023-11-27. Review status: criteria provided, single submitter. Criteria: Invitae Variant Classification Sherloc (09022015). Collection method: clinical testing. Allele origin: germline.
Comment: This sequence change replaces leucine, which is neutral and non-polar, with valine, which is neutral and non-polar, at codon 36 of the CLCN7 protein (p.Leu36Val). Information on the frequency of this variant in the gnomAD database is not available, as this variant may be reported differently in the database. This variant has not been reported in the literature in individuals affected with CLCN7-related conditions. ClinVar contains an entry for this variant (Variation ID: 2018117). Experimental studies and prediction algorithms are not available or were not evaluated, and the functional significance of this variant is currently unknown. In summary, the available evidence is currently insufficient to determine the role of this variant in disease. Therefore, it has been classified as a Variant of Uncertain Significance.